The following is an entry in ClinVar:

ClinVar aggregate classification (germline): Uncertain significance. Review status: criteria provided, multiple submitters, no conflicts (2 of 4 stars). 2 submissions from 2 submitters: Uncertain significance (2). Last evaluated 2024-03-15.

Allele frequency attached by ClinVar (database versions not stated): gnomAD 0.00001; TOPMed 0.00002; ExAC 0.00007.

Submissions (2):

Ambry Genetics
Classification: Uncertain significance. Last evaluated: 2024-03-15. Review status: criteria provided, single submitter. Criteria: Ambry Variant Classification Scheme 2023. Collection method: clinical testing. Allele origin: germline.

Labcorp Genetics (formerly Invitae), Labcorp
Classification: Uncertain significance. Last evaluated: 2022-09-07. Review status: criteria provided, single submitter. Criteria: Invitae Variant Classification Sherloc (09022015). Collection method: clinical testing. Allele origin: germline.
Comment: This sequence change replaces alanine, which is neutral and non-polar, with threonine, which is neutral and polar, at codon 629 of the ICK protein (p.Ala629Thr). This variant is present in population databases (rs756514119, gnomAD 0.01%). This variant has not been reported in the literature in individuals affected with ICK-related conditions. Algorithms developed to predict the effect of missense changes on protein structure and function (SIFT, PolyPhen-2, Align-GVGD) all suggest that this variant is likely to be tolerated. In summary, the available evidence is currently insufficient to determine the role of this variant in disease. Therefore, it has been classified as a Variant of Uncertain Significance.

NM_014920.5(CILK1):c.1885G>A (p.Ala629Thr)

Gene: CILK1 (ciliogenesis associated kinase 1; minus strand). Cytogenetic location: 6p12.1.
Variant type: single nucleotide variant.
Coding change: c.1885G>A on transcript NM_014920.5 (MANE Select); coding-DNA position 1885, G replaced by A.
Protein change: p.Ala629Thr; replaces alanine 629 with threonine.
Molecular consequence: missense variant. On other transcripts: non-coding transcript variant (1).
Genome position (GRCh38, 1-based): chr6:53,005,163, C>T on the plus strand (G>A on the coding strand, the complement: CILK1 is on the minus strand). VCF-style: chr6-53005163-C-T. GRCh37 (hg19) VCF-style: chr6-52869961-C-T.
Other names: c.1885G>A (NM_016513.4); c.1906G>A, p.Ala636Thr (NM_001375397.1); c.1885G>A, p.Ala629Thr (NM_001375398.1, NM_001375399.1, NM_001375400.1 and 3 more transcripts); short protein forms A629T, A636T.
Identifiers: ClinVar variation 2188583 (VCV002188583.5), dbSNP rs756514119, ClinGen allele CA3858437.